The following is an entry in ClinVar:

ClinVar aggregate classification (germline): Benign/Likely benign. Review status: criteria provided, multiple submitters, no conflicts (2 of 4 stars). 2 submissions from 2 submitters: Benign (1); Likely benign (1). Last evaluated 2026-09-21.

Conditions:
MASP2-related disorder. Also called: MASP2-related condition.

gnomAD v4.1: 607 of 1,599,436 alleles (0.038%); highest among the groups gnomAD compares: South Asian, 0.56%; 7 homozygotes.

Submissions (2):

PreventionGenetics, part of Exact Sciences
Classification: Benign for MASP2-related condition. Last evaluated: 2026-09-21. Review status: criteria provided, single submitter. Criteria: ACMG Guidelines, 2015. Collection method: clinical testing. Allele origin: germline.
Comment: This variant is classified as benign based on ACMG/AMP sequence variant interpretation guidelines (Richards et al. 2015 PMID: 25741868, with internal and published modifications).

Blueprint Genetics
Classification: Likely benign. Last evaluated: 2024-11-19. Review status: criteria provided, single submitter. Criteria: ACMG Guidelines, 2015. Collection method: clinical testing. Allele origin: germline.

NM_006610.4(MASP2):c.1938G>A (p.Arg646=)

Genes: MASP2 (MBL associated serine protease 2; minus strand), TARDBP (TAR DNA binding protein; plus strand). Cytogenetic location: 1p36.22.
Variant type: single nucleotide variant.
Coding change: c.1938G>A on transcript NM_006610.4 (MANE Select); coding-DNA position 1938, G replaced by A.
Protein change: p.Arg646=; no amino-acid change (arginine 646 retained).
Molecular consequence: synonymous variant.
Genome position (GRCh38, 1-based): chr1:11,027,008, C>T on the plus strand (G>A on the coding strand, the complement: MASP2 is on the minus strand). VCF-style: chr1-11027008-C-T. GRCh37 (hg19) VCF-style: chr1-11087065-C-T.
Other names: c.1938G>A (NM_006610.3).
Identifiers: ClinVar variation 4955059 (VCV004955059.2).